The following is an entry in ClinVar:

NM_001267550.2(TTN):c.21554T>C (p.Ile7185Thr)

Gene: TTN (titin; minus strand). Cytogenetic location: 2q31.2.
Variant type: single nucleotide variant.
Coding change: c.21554T>C on transcript NM_001267550.2 (MANE Select); coding-DNA position 21554, T replaced by C.
Protein change: p.Ile7185Thr; replaces isoleucine 7185 with threonine.
Molecular consequence: missense variant. On other transcripts: intron variant (3).
Genome position (GRCh38, 1-based): chr2:178,723,546, A>G on the plus strand (T>C on the coding strand, the complement: TTN is on the minus strand). VCF-style: chr2-178723546-A-G. GRCh37 (hg19) VCF-style: chr2-179588273-A-G.
Other names: c.20603T>C, p.Ile6868Thr (NM_001256850.1); c.17822T>C, p.Ile5941Thr (NM_133378.4); c.13282+14536T>C (NM_003319.4); c.13858+14536T>C (NM_133437.4); c.13657+14536T>C (NM_133432.3); short protein forms I5941T, I6868T, I7185T.
Identifiers: ClinVar variation 1223198 (VCV001223198.4), dbSNP rs771134456, ClinGen allele CA2001005.
Genomic context (GRCh38, chr2:178,723,546, plus strand): 5'-CCACTCTGAGATATGTCAATATTAAATAATTCCAGTTCTGCCACAGTGTCTTCAAAATAG[A>G]TGTTGCACCGGTCTCCTTTCACTAGTTCTCTGGCACCTCTGAACCAGTTGACTTTGAATG-3'
Protein context (NP_001254479.2, residues 7175-7195): RELVKGDRCN[Ile7185Thr]YFEDTVAELE

ClinVar aggregate classification (germline): Uncertain significance. Review status: criteria provided, single submitter (1 of 4 stars). 2 submissions from 2 submitters: Uncertain significance (1). 1 of the submissions does not count toward it. Last evaluated 2020-12-28.

Conditions:
TTN-related disorder. Also called: TTN-related disorders; TTN-related condition; TTN-related disease.

Allele frequency attached by ClinVar (database versions not stated): gnomAD exomes below 0.00001; ExAC 0.00001; gnomAD 0.00001; TOPMed 0.00001.
gnomAD v4.1: 4 of 1,613,314 alleles (0.00025%); highest among the groups gnomAD compares: African/African-American, 0.0053%; no homozygotes.

Submissions (2):

GeneDx
Classification: Uncertain significance. Last evaluated: 2020-12-28. Review status: criteria provided, single submitter. Criteria: GeneDx Variant Classification Process June 2021. Collection method: clinical testing. Allele origin: germline. Affected: yes.
Comment: Missense variant in a gene in which most reported pathogenic variants are truncating/loss-of-function; Has not been previously published as pathogenic or benign to our knowledge

PreventionGenetics, part of Exact Sciences
Classification: Uncertain significance for TTN-related condition. Last evaluated: 2024-07-17. Review status: no assertion criteria provided. Collection method: clinical testing. Allele origin: germline. Not counted in ClinVar's aggregate classification.
Comment: The TTN c.21554T>C variant is predicted to result in the amino acid substitution p.Ile7185Thr. To our knowledge, this variant has not been reported in the literature. This variant is reported in 0.0065% of alleles in individuals of African descent in gnomAD. At this time, the clinical significance of this variant is uncertain due to the absence of conclusive functional and genetic evidence.